The following is an entry in ClinVar:

NM_005529.7(HSPG2):c.4097G>A (p.Arg1366His)

Gene: HSPG2 (heparan sulfate proteoglycan 2; minus strand). Cytogenetic location: 1p36.12.
Variant type: single nucleotide variant.
Coding change: c.4097G>A on transcript NM_005529.7 (MANE Select); coding-DNA position 4097, G replaced by A.
Protein change: p.Arg1366His; replaces arginine 1366 with histidine.
Molecular consequence: missense variant.
Genome position (GRCh38, 1-based): chr1:21,872,310, C>T on the plus strand (G>A on the coding strand, the complement: HSPG2 is on the minus strand). VCF-style: chr1-21872310-C-T. GRCh37 (hg19) VCF-style: chr1-22198803-C-T.
Other names: c.4100G>A, p.Arg1367His (NM_001291860.2); c.4097G>A (NM_005529.5); short protein forms R1367H, R1366H.
Identifiers: ClinVar variation 2019636 (VCV002019636.5), dbSNP rs375198977, ClinGen allele CA672369.
Genomic context (GRCh38, chr1:21,872,310, plus strand): 5'-TTGCCAAAAGAGAGCTGGGCACCCTCGGGCACGGGTTCCACAGTGAATTCTCCTGTCAGG[C>T]GGCTGTTTCGCTGTGGGTTCACCAGGGCAAAGCCTTGGAAGTCCCCAGGGGCAAAGTGGG-3'
Protein context (NP_005520.4, residues 1356-1376): FALVNPQRNS[Arg1366His]LTGEFTVEPV

ClinVar aggregate classification (germline): Uncertain significance. Review status: criteria provided, multiple submitters, no conflicts (2 of 4 stars). 2 submissions from 2 submitters: Uncertain significance (2). Last evaluated 2026-02-23.

Allele frequency attached by ClinVar (database versions not stated): ESP Exome Variant Server 0.00008; gnomAD 0.00008; 1000 Genomes Project 30x 0.00016; ExAC 0.00020; TOPMed 0.00012; 1000 Genomes Project 0.00020.
gnomAD v4.1: 142 of 1,574,140 alleles (0.009%); highest among the groups gnomAD compares: East Asian, 0.026%; no homozygotes.

Submissions (2):

GeneDx
Classification: Uncertain significance. Last evaluated: 2026-02-23. Review status: criteria provided, single submitter. Criteria: GeneDx Variant Classification Process June 2021. Collection method: clinical testing. Allele origin: germline.
Comment: In silico analysis suggests that this missense variant does not alter protein structure/function; Has not been previously published as pathogenic or benign to our knowledge

Labcorp Genetics (formerly Invitae), Labcorp
Classification: Uncertain significance. Last evaluated: 2025-11-06. Review status: criteria provided, single submitter. Criteria: Invitae Variant Classification Sherloc (09022015). Collection method: clinical testing. Allele origin: germline.
Comment: This sequence change replaces arginine, which is basic and polar, with histidine, which is basic and polar, at codon 1366 of the HSPG2 protein (p.Arg1366His). This variant is present in population databases (rs375198977, gnomAD 0.03%). This variant has not been reported in the literature in individuals affected with HSPG2-related conditions. ClinVar contains an entry for this variant (Variation ID: 2019636). An algorithm developed to predict the effect of missense changes on protein structure and function outputs the following: PolyPhen-2: "Benign". The histidine amino acid residue is found in multiple mammalian species, which suggests that this missense change does not adversely affect protein function. In summary, the available evidence is currently insufficient to determine the role of this variant in disease. Therefore, it has been classified as a Variant of Uncertain Significance.